The following is an entry in ClinVar:

ClinVar aggregate classification (germline): Likely pathogenic (1 of 4 stars; one submission).

gnomAD v4.1: 2 of 1,614,004 alleles (0.00012%); highest among the groups gnomAD compares: Non-Finnish European, 0.00017%; no homozygotes.

Submission:

GeneDx
Classification: Likely pathogenic. Last evaluated: 2023-06-08. Review status: criteria provided, single submitter. Criteria: GeneDx Variant Classification Process June 2021. Collection method: clinical testing. Allele origin: germline. Affected: yes.
Comment: Not observed at significant frequency in large population cohorts (gnomAD); Nonsense variant predicted to result in protein truncation as the last 149 amino acids are lost, although loss-of-function variants have not been reported downstream of this position in the protein; Has not been previously published as pathogenic or benign to our knowledge

NM_013352.4(DSE):c.2428C>T (p.Arg810Ter)

Gene: DSE (dermatan sulfate epimerase; plus strand). Cytogenetic location: 6q22.1.
Variant type: single nucleotide variant.
Coding change: c.2428C>T on transcript NM_013352.4 (MANE Select); coding-DNA position 2428, C replaced by T.
Protein change: p.Arg810Ter; replaces arginine 810 with a stop codon.
Molecular consequence: nonsense. On other transcripts: 3 prime UTR variant (2), non-coding transcript variant (1).
Genome position (GRCh38, 1-based): chr6:116,436,896, C>T. VCF-style: chr6-116436896-C-T. GRCh37 (hg19) VCF-style: chr6-116758059-C-T.
Other names: c.2428C>T, p.Arg810Ter (NM_001080976.3, NM_001322937.2, NM_001322938.2); c.2485C>T, p.Arg829Ter (NM_001322939.2); c.1867C>T, p.Arg623Ter (NM_001322940.2, NM_001322941.2); c.*1293C>T (NM_001322943.2, NM_001322944.2); c.1429C>T, p.Arg477Ter (NM_001374520.1); c.1393C>T, p.Arg465Ter (NM_001374521.1); short protein forms R465*, R477*, R623*, R810*, R829*.
Identifiers: ClinVar variation 2572748 (VCV002572748.1), dbSNP rs199731077, ClinGen allele CA365407789.